The following is an entry in ClinVar:

NM_004259.7(RECQL5):c.1229+537G>A

Gene: RECQL5 (RecQ like helicase 5; minus strand). Cytogenetic location: 17q25.1.
Variant type: single nucleotide variant.
Coding change: c.1229+537G>A on transcript NM_004259.7 (MANE Select); 537 bases into the intron after coding-DNA position 1229, G replaced by A.
Molecular consequence: intron variant. On other transcripts: synonymous variant (1), 3 prime UTR variant (1).
Genome position (GRCh38, 1-based): chr17:75,650,649, C>T on the plus strand (G>A on the coding strand, the complement: RECQL5 is on the minus strand). VCF-style: chr17-75650649-C-T. GRCh37 (hg19) VCF-style: chr17-73646729-C-T.
Other names: c.1299G>A, p.Ala433= (NM_001003715.4); c.*533G>A (NM_001003716.4).
Identifiers: ClinVar variation 3050523 (VCV003050523.2), dbSNP rs201473413, ClinGen allele CA8767690.

ClinVar aggregate classification (germline): Likely benign (0 of 4 stars; one submission).

Conditions:
RECQL5-related disorder. Also called: RECQL5-related condition.

Allele frequency attached by ClinVar (database versions not stated): TOPMed 0.00011; gnomAD 0.00012; gnomAD exomes 0.00014; 1000 Genomes Project 30x 0.00016; 1000 Genomes Project 0.00020; ExAC 0.00023.
gnomAD v4.1: 218 of 1,613,826 alleles (0.014%); highest among the groups gnomAD compares: Middle Eastern, 0.18%; no homozygotes.

Submission:

PreventionGenetics, part of Exact Sciences
Classification: Likely benign for RECQL5-related condition. Last evaluated: 2023-10-11. Review status: no assertion criteria provided. Collection method: clinical testing. Allele origin: germline.
Comment: This variant is classified as likely benign based on ACMG/AMP sequence variant interpretation guidelines (Richards et al. 2015 PMID: 25741868, with internal and published modifications).